The following is an entry in ClinVar:

NM_000203.5(IDUA):c.429T>A (p.Phe143Leu)

Gene: IDUA (alpha-L-iduronidase; plus strand). Cytogenetic location: 4p16.3.
Variant type: single nucleotide variant.
Coding change: c.429T>A on transcript NM_000203.5 (MANE Select); coding-DNA position 429, T replaced by A.
Protein change: p.Phe143Leu; replaces phenylalanine 143 with leucine.
Molecular consequence: missense variant. On other transcripts: non-coding transcript variant (1).
Genome position (GRCh38, 1-based): chr4:1,000,925, T>A. VCF-style: chr4-1000925-T-A. GRCh37 (hg19) VCF-style: chr4-994713-T-A.
Other names: c.33T>A, p.Phe11Leu (NM_001363576.1); short protein forms F143L, F11L.
Identifiers: ClinVar variation 3666196 (VCV003666196.1).

ClinVar aggregate classification (germline): Uncertain significance (1 of 4 stars; one submission).

Conditions:
Mucopolysaccharidosis type 1. Also called: IDUA deficiency; MPS I. Identifiers: Orphanet 579, MedGen C0023786, MONDO:0001586.

gnomAD v4.1: 23 of 1,613,364 alleles (0.0014%); highest among the groups gnomAD compares: Non-Finnish European, 0.0019%; no homozygotes.

Submission:

Labcorp Genetics (formerly Invitae), Labcorp
Classification: Uncertain significance for Mucopolysaccharidosis type 1. Last evaluated: 2024-11-17. Review status: criteria provided, single submitter. Criteria: Invitae Variant Classification Sherloc (09022015). Collection method: clinical testing. Allele origin: germline.
Comment: This sequence change replaces phenylalanine, which is neutral and non-polar, with leucine, which is neutral and non-polar, at codon 143 of the IDUA protein (p.Phe143Leu). This variant is present in population databases (rs373342547, gnomAD 0.007%). This variant has not been reported in the literature in individuals affected with IDUA-related conditions. Invitae Evidence Modeling of protein sequence and biophysical properties (such as structural, functional, and spatial information, amino acid conservation, physicochemical variation, residue mobility, and thermodynamic stability) has been performed for this missense variant. However, the output from this modeling did not meet the statistical confidence thresholds required to predict the impact of this variant on IDUA protein function. In summary, the available evidence is currently insufficient to determine the role of this variant in disease. Therefore, it has been classified as a Variant of Uncertain Significance.